The following is an entry in ClinVar:

NM_014727.3(KMT2B):c.1211C>T (p.Pro404Leu)

Gene: KMT2B (lysine methyltransferase 2B; plus strand). Cytogenetic location: 19q13.12.
Variant type: single nucleotide variant.
Coding change: c.1211C>T on transcript NM_014727.3 (MANE Select); coding-DNA position 1211, C replaced by T.
Protein change: p.Pro404Leu; replaces proline 404 with leucine.
Molecular consequence: missense variant.
Genome position (GRCh38, 1-based): chr19:35,720,558, C>T. VCF-style: chr19-35720558-C-T. GRCh37 (hg19) VCF-style: chr19-36211460-C-T.
Other names: c.1211C>T (NM_014727.1); short protein forms P404L.
Identifiers: ClinVar variation 2171504 (VCV002171504.29), dbSNP rs1021849113, ClinGen allele CA307782747.

ClinVar aggregate classification (germline): Conflicting classifications of pathogenicity. Review status: criteria provided, conflicting classifications (1 of 4 stars). 3 submissions from 3 submitters: Uncertain significance (1); Likely benign (2). Last evaluated 2025-12-06.

Conditions:
Inborn genetic diseases. Identifiers: MedGen C0950123, MeSH D030342.

Allele frequency attached by ClinVar (database versions not stated): TOPMed 0.00004; gnomAD 0.00005; 1000 Genomes Project 30x 0.00031.
gnomAD v4.1: 81 of 1,545,824 alleles (0.0052%); highest among the groups gnomAD compares: Middle Eastern, 0.037%; no homozygotes.

Submissions (3):

Labcorp Genetics (formerly Invitae), Labcorp
Classification: Likely benign. Last evaluated: 2025-12-06. Review status: criteria provided, single submitter. Criteria: Invitae Variant Classification Sherloc (09022015). Collection method: clinical testing. Allele origin: germline.

CeGaT Center for Human Genetics Tuebingen
Classification: Uncertain significance. Last evaluated: 2023-03-01. Review status: criteria provided, single submitter. Criteria: CeGaT Center For Human Genetics Tuebingen Variant Classification Criteria Version 2. Collection method: clinical testing. Allele origin: germline. Affected: yes. Observed: 1 variant allele.
Comment: KMT2B: PM2

Ambry Genetics
Classification: Likely benign for Inborn genetic diseases. Last evaluated: 2021-11-08. Review status: criteria provided, single submitter. Criteria: Ambry Variant Classification Scheme 2023. Collection method: clinical testing. Allele origin: germline.